The following is an entry in ClinVar:

ClinVar aggregate classification (germline): Pathogenic (1 of 4 stars; one submission).

Conditions:
Inborn genetic diseases. Identifiers: MedGen C0950123, MeSH D030342.

Submission:

Ambry Genetics
Classification: Pathogenic for Inborn genetic diseases. Last evaluated: 2025-06-24. Review status: criteria provided, single submitter. Criteria: Ambry Variant Classification Scheme 2023. Collection method: clinical testing. Allele origin: germline.
Comment: The c.65delC (p.P22Lfs*55) alteration, located in exon 2 (coding exon 2) of the ERF gene, consists of a deletion of one nucleotide at position 65, causing a translational frameshift with a predicted alternate stop codon after 55 amino acids. This alteration is expected to result in loss of function by premature protein truncation or nonsense-mediated mRNA decay. This variant was not reported in population-based cohorts in the Genome Aggregation Database (gnomAD). Based on the available evidence, this alteration is classified as pathogenic.

NM_006494.4(ERF):c.65del (p.Pro22fs)

Gene: ERF (ETS2 repressor factor; minus strand). Cytogenetic location: 19q13.2.
Variant type: Deletion.
Coding change: c.65del on transcript NM_006494.4 (MANE Select); coding-DNA position 65, one base deleted (C; older notation c.65delC).
Protein change: p.Pro22fs; shifts the reading frame from proline 22.
Molecular consequence: frameshift variant. On other transcripts: 5 prime UTR variant (4), intron variant (1).
Genome position (GRCh38, 1-based): chr19:42,250,523, G deleted on the plus strand (C on the coding strand, the reverse complement: ERF is on the minus strand); the first of 4 consecutive G bases (chr19:42,250,523-42,250,526); deleting any one gives the same sequence. VCF-style (leftmost placement, unchanged base first): chr19-42250522-AG-A. GRCh37 (hg19) VCF-style: chr19-42754674-AG-A.
Other names: c.-161del (NM_001301035.2, NM_001308402.2, NM_001312656.2 and 1 more transcripts); c.-550-581del (NM_001440421.1); short protein forms P22fs.
Identifiers: ClinVar variation 4250662 (VCV004250662.1).
Genomic context (GRCh38, chr19:42,250,522, plus strand): 5'-GTACTCCTCCTTCCGCAGCAGCTCCAGGATAAAGTGCCACAGCTGGATCTGCCTTGAGCC[AG>A]GGGACGACTCTGGCTTGTAGGCCCAATCCGGGAAGGCAAACCCTGGGGACGGGAGGCAGG-3'